The following is an entry in ClinVar:

ClinVar aggregate classification (germline): Conflicting classifications of pathogenicity. Review status: criteria provided, conflicting classifications (1 of 4 stars). 5 submissions from 5 submitters: Uncertain significance (4); Likely benign (1). Last evaluated 2026-01-11.

Conditions:
Inborn genetic diseases. Identifiers: MedGen C0950123, MeSH D030342.
Mitochondrial disease. Also called: Mitochondrial disorders; Mitochondrial disorder. Identifiers: Orphanet 68380, MedGen C0751651, MeSH D028361, MONDO:0044970.

Allele frequency attached by ClinVar (database versions not stated): gnomAD exomes 0.00010 and 0.00016; ExAC 0.00012; gnomAD 0.00002; TOPMed 0.00002.

Submissions (5):

Labcorp Genetics (formerly Invitae), Labcorp
Classification: Likely benign. Last evaluated: 2026-01-11. Review status: criteria provided, single submitter. Criteria: Invitae Variant Classification Sherloc (09022015). Collection method: clinical testing. Allele origin: germline.

Genomenon, Inc
Classification: Uncertain significance for Mitochondrial disease. Last evaluated: 2025-11-24. Review status: criteria provided, single submitter. Criteria: Genomenon Sequence Variant Interpretation Standards - Updated. Collection method: curation. Allele origin: germline. Affected: yes.
Comment: TK2 p.Arg183Gln (c.548G>A) is a missense variant that changes the amino acid at residue 183 from Arginine to Glutamine. This variant has been observed in a proband affected with mitochondrial disease in the compound heterozygous state (31125140). In conclusion, we classify TK2 p.Arg183Gln (c.548G>A) as a variant of uncertain significance.

Women's Health and Genetics/Laboratory Corporation of America, LabCorp
Classification: Uncertain significance. Last evaluated: 2024-04-02. Review status: criteria provided, single submitter. Criteria: LabCorp Variant Classification Summary - May 2015. Collection method: clinical testing. Allele origin: germline.
Comment: Variant summary: TK2 c.548G>A (p.Arg183Gln) results in a conservative amino acid change located in the Deoxynucleoside kinase domain (IPR031314) of the encoded protein sequence. Three of five in-silico tools predict a benign effect of the variant on protein function. The variant allele was found at a frequency of 0.00016 in 251486 control chromosomes, predominantly at a frequency of 0.0013 within the South Asian subpopulation in the gnomAD database. The observed variant frequency within South Asian control individuals in the gnomAD database is higher than the estimated maximal expected allele frequency for a pathogenic variant in TK2 causing Mitochondrial DNA Depletion Syndrome - TK2 Related phenotype (0.0011), strongly suggesting that the variant is a benign polymorphism found primarily in populations of South Asian origin. c.548G>A has been reported in the literature as a presumed compound heterozygous genotype in at-least one individual affected with TK2-deficiency (Mitochondrial DNA Depletion Syndrome - TK2 Related) (Dominguez-Gonzalez_2019). Additionally another missense variant as the same codon (p.Arg183Trp) has been classified as pathogenic in our laboratory To our knowledge, no experimental evidence demonstrating an impact on protein function has been reported. ClinVar contains an entry for this variant (Variation ID: 1516956). Based on the evidence outlined above, the variant was classified as uncertain significance.

Revvity Omics, Revvity
Classification: Uncertain significance. Last evaluated: 2021-05-12. Review status: criteria provided, single submitter. Criteria: ACMG Guidelines, 2015. Collection method: clinical testing. Allele origin: germline.

Ambry Genetics
Classification: Uncertain significance for Inborn genetic diseases. Last evaluated: 2020-12-28. Review status: criteria provided, single submitter. Criteria: Ambry Variant Classification Scheme 2023. Collection method: clinical testing. Allele origin: germline.
Comment: The c.548G>A (p.R183Q) alteration is located in exon 8 (coding exon 8) of the TK2 gene. This alteration results from a G to A substitution at nucleotide position 548, causing the arginine (R) at amino acid position 183 to be replaced by a glutamine (Q). The p.R183Q alteration is predicted to be tolerated by in silico analysis. Based on insufficient or conflicting evidence, the clinical significance of this alteration remains unclear.

Literature cited by the submitters: PubMed 31125140 (cited by 3 submitters).

NM_004614.5(TK2):c.548G>A (p.Arg183Gln)

Gene: TK2 (thymidine kinase 2; minus strand). Cytogenetic location: 16q21.
Variant type: single nucleotide variant.
Coding change: c.548G>A on transcript NM_004614.5 (MANE Select); coding-DNA position 548, G replaced by A.
Protein change: p.Arg183Gln; replaces arginine 183 with glutamine.
Molecular consequence: missense variant. On other transcripts: non-coding transcript variant (1), intron variant (1).
Genome position (GRCh38, 1-based): chr16:66,517,206, C>T on the plus strand (G>A on the coding strand, the complement: TK2 is on the minus strand). VCF-style: chr16-66517206-C-T. GRCh37 (hg19) VCF-style: chr16-66551109-C-T.
Other names: c.455G>A, p.Arg152Gln (NM_001172643.1); c.473G>A, p.Arg158Gln (NM_001172644.2); c.494G>A, p.Arg165Gln (NM_001172645.2); c.401G>A, p.Arg134Gln (NM_001271934.2); c.257G>A, p.Arg86Gln (NM_001272050.2); c.357-3395G>A (NM_001271935.1); short protein forms R158Q, R165Q, R86Q, R134Q, R152Q, R183Q.
Identifiers: ClinVar variation 1516956 (VCV001516956.12), dbSNP rs780333412, ClinGen allele CA8093631.